The following is an entry in ClinVar:

ClinVar aggregate classification (germline): Uncertain significance. Review status: criteria provided, multiple submitters, no conflicts (2 of 4 stars). 2 submissions from 2 submitters: Uncertain significance (2). Last evaluated 2026-02-06.

Conditions:
Hereditary cancer-predisposing syndrome. Also called: Neoplastic Syndromes, Hereditary; Hereditary neoplastic syndrome; Tumor predisposition; Hereditary Cancer Syndrome. Identifiers: Orphanet 140162, MedGen C0027672, MeSH D009386, MONDO:0015356.
Ataxia-telangiectasia syndrome (AT). Also called: Ataxia telangiectasia (A-T); Cerebello-oculocutaneous telangiectasia; Immunodeficiency with ataxia telangiectasia; Ataxia-telangiectasia, complementation group D; ATAXIA-TELANGIECTASIA, COMPLEMENTATION GROUP A; ATAXIA-TELANGIECTASIA, FRESNO VARIANT. Identifiers: Orphanet 100, MedGen C0004135, MONDO:0008840, OMIM 208900.

Submissions (2):

Ambry Genetics
Classification: Uncertain significance for Hereditary cancer-predisposing syndrome. Last evaluated: 2026-02-06. Review status: criteria provided, single submitter. Criteria: Ambry Variant Classification Scheme 2023. Collection method: clinical testing. Allele origin: germline.
Comment: The c.185+4T>G intronic variant results from a T to G substitution 4 nucleotides after coding exon 2 in the ATM gene. This nucleotide position is not well conserved in available vertebrate species. In silico splice site analysis for this alteration is inconclusive. Based on the available evidence, the clinical significance of this variant remains unclear.

Labcorp Genetics (formerly Invitae), Labcorp
Classification: Uncertain significance for Ataxia-telangiectasia syndrome. Last evaluated: 2021-08-28. Review status: criteria provided, single submitter. Criteria: Invitae Variant Classification Sherloc (09022015). Collection method: clinical testing. Allele origin: germline.
Comment: This sequence change falls in intron 3 of the ATM gene. It does not directly change the encoded amino acid sequence of the ATM protein. It affects a nucleotide within the consensus splice site of the intron. This variant is not present in population databases (ExAC no frequency). This variant has not been reported in the literature in individuals affected with ATM-related conditions. Variants that disrupt the consensus splice site are a relatively common cause of aberrant splicing (PMID: 17576681, 9536098). Algorithms developed to predict the effect of sequence changes on RNA splicing suggest that this variant may disrupt the consensus splice site. In summary, the available evidence is currently insufficient to determine the role of this variant in disease. Therefore, it has been classified as a Variant of Uncertain Significance.

Literature cited by the submitters: PubMed 17576681 (cited by Labcorp Genetics (formerly Invitae), Labcorp); PubMed 9536098 (cited by Labcorp Genetics (formerly Invitae), Labcorp).

NM_000051.4(ATM):c.185+4T>G

Gene: ATM (ATM serine/threonine kinase; plus strand). Cytogenetic location: 11q22.3.
Variant type: single nucleotide variant.
Coding change: c.185+4T>G on transcript NM_000051.4 (MANE Select); 4 bases into the intron after coding-DNA position 185, T replaced by G.
Molecular consequence: intron variant.
Genome position (GRCh38, 1-based): chr11:108,227,892, T>G. VCF-style: chr11-108227892-T-G. GRCh37 (hg19) VCF-style: chr11-108098619-T-G.
Other names: c.185+4T>G (NM_001351834.2, NM_001351835.2, NM_001351836.2).
Identifiers: ClinVar variation 646156 (VCV000646156.9), dbSNP rs1060501685, ClinGen allele CA915947707.